The following is an entry in ClinVar:

ClinVar aggregate classification (germline): Benign/Likely benign. Review status: criteria provided, multiple submitters, no conflicts (2 of 4 stars). 2 submissions from 2 submitters: Benign (1); Likely benign (1). Last evaluated 2025-10-03.

Conditions:
Spinocerebellar ataxia, autosomal recessive, with axonal neuropathy 2 (SCAN2). Also called: ATAXIA-OCULOMOTOR APRAXIA 2; Ataxia-ocular apraxia-2; Ataxia with Oculomotor Apraxia; Ataxia with Oculomotor Apraxia Type 2. Identifiers: Orphanet 64753, MedGen C1853761, MONDO:0018996, OMIM 606002.
Amyotrophic lateral sclerosis type 4 (ALS4). Also called: AMYOTROPHIC LATERAL SCLEROSIS 4, JUVENILE; NEURONOPATHY, DISTAL HEREDITARY MOTOR, WITH PYRAMIDAL FEATURES. Identifiers: Orphanet 357043, MedGen C1865409, MONDO:0011223, OMIM 602433.

gnomAD v4.1: 3 of 1,614,170 alleles (0.00019%); highest among the groups gnomAD compares: Admixed American, 0.0033%; no homozygotes.

Submissions (2):

Athena Diagnostics
Classification: Likely benign. Last evaluated: 2025-10-03. Review status: criteria provided, single submitter. Criteria: Athena Diagnostics Criteria. Collection method: clinical testing. Allele origin: unknown.
Comment: Computational tools yielded predictions that this variant is unlikely to have an effect on normal RNA splicing. This nucleotide position exhibits low evolutionary conservation.

Labcorp Genetics (formerly Invitae), Labcorp
Classification: Benign for Amyotrophic lateral sclerosis type 4; Spinocerebellar ataxia, autosomal recessive, with axonal neuropathy 2. Last evaluated: 2025-09-23. Review status: criteria provided, single submitter. Criteria: Invitae Variant Classification Sherloc (09022015). Collection method: clinical testing. Allele origin: germline.

NM_015046.7(SETX):c.5067C>T (p.Asn1689=)

Gene: SETX (senataxin; minus strand). Cytogenetic location: 9q34.13.
Variant type: single nucleotide variant.
Coding change: c.5067C>T on transcript NM_015046.7 (MANE Select); coding-DNA position 5067, C replaced by T.
Protein change: p.Asn1689=; no amino-acid change (asparagine 1689 retained).
Molecular consequence: synonymous variant.
Genome position (GRCh38, 1-based): chr9:132,326,531, G>A on the plus strand (C>T on the coding strand, the complement: SETX is on the minus strand). VCF-style: chr9-132326531-G-A. GRCh37 (hg19) VCF-style: chr9-135201918-G-A.
Other names: c.5067C>T, p.Asn1689= (NM_001351527.2, NM_001351528.2).
Identifiers: ClinVar variation 4682415 (VCV004682415.2).
Genomic context (GRCh38, chr9:132,326,531, plus strand): 5'-TTTCCATTTTAAGACCTCTTTAACGAAGGTGTCAGAGACAGACTGTGATGACAAAAGAAT[G>A]TTTACTGGAGAGGAAGATGGAAAATATTTGCTTTCACCAAATGGAACTTTGCAACCTTGC-3'
Protein context (NP_055861.3, residues 1679-1699): SKYFPSSSPV[Asn1689=]ILLSSQSVSD